The following is an entry in ClinVar:

ClinVar aggregate classification (germline): Uncertain significance. Review status: criteria provided, multiple submitters, no conflicts (2 of 4 stars). 2 submissions from 2 submitters: Uncertain significance (2). Last evaluated 2025-01-10.

Allele frequency attached by ClinVar (database versions not stated): TOPMed 0.00004; ExAC 0.00005; gnomAD exomes 0.00005 and 0.00006; gnomAD 0.00006; ESP Exome Variant Server 0.00008; 1000 Genomes Project 0.00060; 1000 Genomes Project 30x 0.00078.
gnomAD v4.1: 82 of 1,614,054 alleles (0.0051%); highest among the groups gnomAD compares: East Asian, 0.12%; no homozygotes.

Submissions (2):

Labcorp Genetics (formerly Invitae), Labcorp
Classification: Uncertain significance. Last evaluated: 2025-01-10. Review status: criteria provided, single submitter. Criteria: Invitae Variant Classification Sherloc (09022015). Collection method: clinical testing. Allele origin: germline.
Comment: This sequence change replaces arginine, which is basic and polar, with cysteine, which is neutral and slightly polar, at codon 3343 of the LRP2 protein (p.Arg3343Cys). This variant is present in population databases (rs140572511, gnomAD 0.05%). This variant has not been reported in the literature in individuals affected with LRP2-related conditions. ClinVar contains an entry for this variant (Variation ID: 1435708). An algorithm developed to predict the effect of missense changes on protein structure and function (PolyPhen-2) suggests that this variant is likely to be disruptive. In summary, the available evidence is currently insufficient to determine the role of this variant in disease. Therefore, it has been classified as a Variant of Uncertain Significance.

Blueprint Genetics
Classification: Uncertain significance. Last evaluated: 2024-09-05. Review status: criteria provided, single submitter. Criteria: ACMG Guidelines, 2015. Collection method: clinical testing. Allele origin: germline.

NM_004525.3(LRP2):c.10027C>T (p.Arg3343Cys)

Gene: LRP2 (LDL receptor related protein 2; minus strand). Cytogenetic location: 2q31.1.
Variant type: single nucleotide variant.
Coding change: c.10027C>T on transcript NM_004525.3 (MANE Select); coding-DNA position 10027, C replaced by T.
Protein change: p.Arg3343Cys; replaces arginine 3343 with cysteine.
Molecular consequence: missense variant.
Genome position (GRCh38, 1-based): chr2:169,181,590, G>A on the plus strand (C>T on the coding strand, the complement: LRP2 is on the minus strand). VCF-style: chr2-169181590-G-A. GRCh37 (hg19) VCF-style: chr2-170038100-G-A.
Other names: short protein forms R3343C.
Identifiers: ClinVar variation 1435708 (VCV001435708.5), dbSNP rs140572511, ClinGen allele CA1953440.